The following is an entry in ClinVar:

ClinVar aggregate classification (germline): Uncertain significance. Review status: criteria provided, multiple submitters, no conflicts (2 of 4 stars). 5 submissions from 4 submitters: Uncertain significance (5). Last evaluated 2025-01-16.

Conditions:
Mitochondrial complex I deficiency, nuclear type 1. Also called: NADH-COENZYME Q REDUCTASE DEFICIENCY; MITOCHONDRIAL NADH DEHYDROGENASE COMPONENT OF COMPLEX I, DEFICIENCY OF. Identifiers: MedGen C6022305, MONDO:0100224, OMIM 252010.
Mitochondrial complex I deficiency, nuclear type 4. Also called: Mitochondrial complex 1 deficiency, nuclear type 4. Identifiers: MedGen C4748753, MONDO:0032609, OMIM 618225.
Leigh syndrome (NULS). Also called: LEIGH SYNDROME, NUCLEAR; Leigh Disease; Leigh's necrotizing encephalopathy; Leigh's disease; Leigh Syndrome (mtDNA deletion); Subacute necrotizing encephalopathy. Identifiers: Orphanet 506, MedGen C2931891, MONDO:0009723, OMIM 256000.

Allele frequency attached by ClinVar (database versions not stated): gnomAD 0.00005 and 0.00006; gnomAD exomes 0.00005 and 0.00010; TOPMed 0.00006; ExAC 0.00007; ESP Exome Variant Server 0.00008.

Submissions (5):

Labcorp Genetics (formerly Invitae), Labcorp
Classification: Uncertain significance. Last evaluated: 2025-01-16. Review status: criteria provided, single submitter. Criteria: Invitae Variant Classification Sherloc (09022015). Collection method: clinical testing. Allele origin: germline.
Comment: This sequence change replaces alanine, which is neutral and non-polar, with threonine, which is neutral and polar, at codon 368 of the NDUFV1 protein (p.Ala368Thr). This variant is present in population databases (rs376958800, gnomAD 0.2%). This variant has not been reported in the literature in individuals affected with NDUFV1-related conditions. ClinVar contains an entry for this variant (Variation ID: 214860). Invitae Evidence Modeling of protein sequence and biophysical properties (such as structural, functional, and spatial information, amino acid conservation, physicochemical variation, residue mobility, and thermodynamic stability) has been performed for this missense variant. However, the output from this modeling did not meet the statistical confidence thresholds required to predict the impact of this variant on NDUFV1 protein function. In summary, the available evidence is currently insufficient to determine the role of this variant in disease. Therefore, it has been classified as a Variant of Uncertain Significance.

Department of Pathology and Laboratory Medicine, Sinai Health System
Classification: Uncertain significance for Mitochondrial complex I deficiency, nuclear type 4. Last evaluated: 2020-07-14. Review status: criteria provided, single submitter. Criteria: ACMG Guidelines, 2015. Collection method: research. Allele origin: germline.

GeneDx
Classification: Uncertain significance. Last evaluated: 2018-11-29. Review status: criteria provided, single submitter. Criteria: GeneDx Variant Classification (06012015). Collection method: clinical testing. Allele origin: germline. Affected: yes.
Comment: p.Ala368Thr (GCC>ACC): c.1102 G>A in exon 8 of the NDUFV1 gene (NM_007103.3). A variant of unknown significance has been identified in the NDUFV1 gene. The A368T missense substitution has not been published as a mutation, nor has it been reported as a benign polymorphism to our knowledge. The amino acid change is non-conservative in that a non-polar, smaller Alanine residue is replaced by a polar, larger Threonine residue. This change occurs at a highly conserved position in the NDUFV1 protein; however, multiple in-silico analysis programs predict that A368T is a benign sequence change. Therefore, based on the currently available information, it is unclear whether A368T is a disease-causing mutation or a rare benign variant. The variant is found in MITONUC-MITOP panel(s).

Illumina Laboratory Services, Illumina
Classification: Uncertain significance for Leigh syndrome. Last evaluated: 2018-01-13. Review status: criteria provided, single submitter. Criteria: ICSL Variant Classification Criteria 13 December 2019. Collection method: clinical testing. Allele origin: germline.

Illumina Laboratory Services, Illumina
Classification: Uncertain significance for Mitochondrial complex I deficiency, nuclear type 1. Last evaluated: 2018-01-13. Review status: criteria provided, single submitter. Criteria: ICSL Variant Classification Criteria 13 December 2019. Collection method: clinical testing. Allele origin: germline.

NM_007103.4(NDUFV1):c.1102G>A (p.Ala368Thr)

Genes: NDUFV1 (NADH:ubiquinone oxidoreductase core subunit V1; plus strand), LOC126861242 (CDK7 strongly-dependent group 2 enhancer GRCh37_chr11:67379204-67380403; plus strand). Cytogenetic location: 11q13.2.
Variant type: single nucleotide variant.
Coding change: c.1102G>A on transcript NM_007103.4 (MANE Select); coding-DNA position 1102, G replaced by A.
Protein change: p.Ala368Thr; replaces alanine 368 with threonine.
Molecular consequence: missense variant.
Genome position (GRCh38, 1-based): chr11:67,611,918, G>A. VCF-style: chr11-67611918-G-A. GRCh37 (hg19) VCF-style: chr11-67379389-G-A.
Other names: p.A368T:GCC>ACC; c.1075G>A, p.Ala359Thr (NM_001166102.2); short protein forms A368T, A359T.
Identifiers: ClinVar variation 214860 (VCV000214860.10), dbSNP rs376958800, ClinGen allele CA320007.